The following is an entry in ClinVar:

ClinVar aggregate classification (germline): Uncertain significance (1 of 4 stars; one submission).

Conditions:
Bardet-Biedl syndrome (BBS). Identifiers: Orphanet 110, MedGen C0752166, MONDO:0015229.

Submission:

Labcorp Genetics (formerly Invitae), Labcorp
Classification: Uncertain significance for Bardet-Biedl syndrome. Last evaluated: 2022-10-13. Review status: criteria provided, single submitter. Criteria: Invitae Variant Classification Sherloc (09022015). Collection method: clinical testing. Allele origin: germline.
Comment: ClinVar contains an entry for this variant (Variation ID: 1395448). In summary, the available evidence is currently insufficient to determine the role of this variant in disease. Therefore, it has been classified as a Variant of Uncertain Significance. Advanced modeling of protein sequence and biophysical properties (such as structural, functional, and spatial information, amino acid conservation, physicochemical variation, residue mobility, and thermodynamic stability) has been performed at Invitae for this missense variant, however the output from this modeling did not meet the statistical confidence thresholds required to predict the impact of this variant on TTC8 protein function. This variant has not been reported in the literature in individuals affected with TTC8-related conditions. This variant is not present in population databases (gnomAD no frequency). This sequence change replaces glutamine, which is neutral and polar, with proline, which is neutral and non-polar, at codon 118 of the TTC8 protein (p.Gln118Pro).

NM_144596.4(TTC8):c.383A>C (p.Gln128Pro)

Gene: TTC8 (tetratricopeptide repeat domain 8; plus strand). Cytogenetic location: 14q31.3.
Variant type: single nucleotide variant.
Coding change: c.383A>C on transcript NM_144596.4 (MANE Select); coding-DNA position 383, A replaced by C.
Protein change: p.Gln128Pro; replaces glutamine 128 with proline.
Molecular consequence: missense variant. On other transcripts: 5 prime UTR variant (2), non-coding transcript variant (1).
Genome position (GRCh38, 1-based): chr14:88,841,090, A>C. VCF-style: chr14-88841090-A-C. GRCh37 (hg19) VCF-style: chr14-89307434-A-C.
Other names: c.353A>C, p.Gln118Pro (NM_001288781.1, NM_001366535.2, NM_001366536.2 and 2 more transcripts); c.-210A>C (NM_001288782.1); c.-305A>C (NM_001288783.1); short protein forms Q118P, Q128P.
Identifiers: ClinVar variation 1395448 (VCV001395448.6), dbSNP rs2140976838, ClinGen allele CA390574340.